The following is an entry in ClinVar:

ClinVar aggregate classification (germline): Uncertain significance (1 of 4 stars; one submission).

Conditions:
Agammaglobulinemia 7, autosomal recessive (AGM7). Also called: AGAMMAGLOBULINEMIA, AUTOSOMAL RECESSIVE, DUE TO PIK3R1 DEFECT. Identifiers: MedGen C3554689, MONDO:0014083, OMIM 615214.
Immunodeficiency 36 with lymphoproliferation. Also called: Immunodeficiency 36; ACTIVATED PI3K-DELTA SYNDROME 2; Activated PI3K Delta Syndrome Type 2 (APDS2). Identifiers: Orphanet 397596, Orphanet 693681, MedGen C4014934, MONDO:0014453, OMIM 616005.
SHORT syndrome. Also called: SHORT STATURE, HYPEREXTENSIBILITY, HERNIA, OCULAR DEPRESSION, RIEGER ANOMALY, AND TEETHING DELAY; LIPODYSTROPHY, PARTIAL, WITH RIEGER ANOMALY AND SHORT STATURE; PIK3R1-Related SHORT Syndrome. Identifiers: Orphanet 3163, MedGen C0878684, MONDO:0010026, OMIM 269880.

Submission:

Labcorp Genetics (formerly Invitae), Labcorp
Classification: Uncertain significance for SHORT syndrome; Immunodeficiency 36 with lymphoproliferation; Agammaglobulinemia 7, autosomal recessive. Last evaluated: 2024-08-28. Review status: criteria provided, single submitter. Criteria: Invitae Variant Classification Sherloc (09022015). Collection method: clinical testing. Allele origin: germline.
Comment: This sequence change replaces glycine, which is neutral and non-polar, with arginine, which is basic and polar, at codon 64 of the PIK3R1 protein (p.Gly64Arg). This variant is not present in population databases (gnomAD no frequency). This variant has not been reported in the literature in individuals affected with PIK3R1-related conditions. An algorithm developed to predict the effect of missense changes on protein structure and function (PolyPhen-2) suggests that this variant is likely to be tolerated. In summary, the available evidence is currently insufficient to determine the role of this variant in disease. Therefore, it has been classified as a Variant of Uncertain Significance.

NM_181523.3(PIK3R1):c.190G>C (p.Gly64Arg)

Gene: PIK3R1 (phosphoinositide-3-kinase regulatory subunit 1; plus strand). Cytogenetic location: 5q13.1.
Variant type: single nucleotide variant.
Coding change: c.190G>C on transcript NM_181523.3 (MANE Select); coding-DNA position 190, G replaced by C.
Protein change: p.Gly64Arg; replaces glycine 64 with arginine.
Molecular consequence: missense variant.
Genome position (GRCh38, 1-based): chr5:68,226,865, G>C. VCF-style: chr5-68226865-G-C. GRCh37 (hg19) VCF-style: chr5-67522693-G-C.
Other names: short protein forms G64R.
Identifiers: ClinVar variation 3757879 (VCV003757879.2).